The following is an entry in ClinVar:

NM_000944.5(PPP3CA):c.856G>T (p.Ala286Ser)

Gene: PPP3CA (protein phosphatase 3 catalytic subunit alpha; minus strand). Cytogenetic location: 4q24.
Variant type: single nucleotide variant.
Coding change: c.856G>T on transcript NM_000944.5 (MANE Select); coding-DNA position 856, G replaced by T.
Protein change: p.Ala286Ser; replaces alanine 286 with serine.
Molecular consequence: missense variant.
Genome position (GRCh38, 1-based): chr4:101,083,190, C>A on the plus strand (G>T on the coding strand, the complement: PPP3CA is on the minus strand). VCF-style: chr4-101083190-C-A. GRCh37 (hg19) VCF-style: chr4-102004347-C-A.
Other names: c.856G>T, p.Ala286Ser (NM_001130691.2, NM_001130692.2); short protein forms A286S.
Identifiers: ClinVar variation 2127681 (VCV002127681.4), dbSNP rs542649732, ClinGen allele CA3024402.

ClinVar aggregate classification (germline): Uncertain significance (1 of 4 stars; one submission).

Allele frequency attached by ClinVar (database versions not stated): gnomAD exomes below 0.00001; ExAC 0.00001; gnomAD 0.00001; 1000 Genomes Project 0.00020; 1000 Genomes Project 30x 0.00031.
gnomAD v4.1: 2 of 1,496,678 alleles (0.00013%); highest among the groups gnomAD compares: African/African-American, 0.0014%; no homozygotes.

Submission:

Labcorp Genetics (formerly Invitae), Labcorp
Classification: Uncertain significance. Last evaluated: 2022-04-18. Review status: criteria provided, single submitter. Criteria: Invitae Variant Classification Sherloc (09022015). Collection method: clinical testing. Allele origin: germline.
Comment: This sequence change replaces alanine, which is neutral and non-polar, with serine, which is neutral and polar, at codon 286 of the PPP3CA protein (p.Ala286Ser). The frequency data for this variant in the population databases is considered unreliable, as metrics indicate poor data quality at this position in the gnomAD database. This variant has not been reported in the literature in individuals affected with PPP3CA-related conditions. Algorithms developed to predict the effect of missense changes on protein structure and function are either unavailable or do not agree on the potential impact of this missense change (SIFT: "Deleterious"; PolyPhen-2: "Benign"; Align-GVGD: "Class C65"). In summary, the available evidence is currently insufficient to determine the role of this variant in disease. Therefore, it has been classified as a Variant of Uncertain Significance.